The following is an entry in ClinVar:

ClinVar aggregate classification (germline): Benign. Review status: criteria provided, single submitter (1 of 4 stars). 2 submissions from 2 submitters: Benign (1). 1 of the submissions does not count toward it. Last evaluated 2024-08-20.

Conditions:
X-linked intellectual disability Cabezas type (MRXSC). Also called: CABEZAS SYNDROME; MENTAL RETARDATION, X-LINKED, SYNDROMIC 15; Intellectual developmental disorder, X-linked syndromic, Cabezas type. Identifiers: Orphanet 85289, Orphanet 85293, MedGen C1845861, MONDO:0010306, OMIM 300354.
CUL4B-related disorder. Also called: CUL4B-related condition.

Allele frequency attached by ClinVar (database versions not stated): gnomAD exomes 0.00001; TOPMed 0.00002; ExAC 0.00005.
gnomAD v4.1: 7 of 1,201,338 alleles (0.00058%); highest among the groups gnomAD compares: Admixed American, 0.011%; no homozygotes.

Submissions (2):

Labcorp Genetics (formerly Invitae), Labcorp
Classification: Benign for X-linked intellectual disability Cabezas type. Last evaluated: 2024-08-20. Review status: criteria provided, single submitter. Criteria: Invitae Variant Classification Sherloc (09022015). Collection method: clinical testing. Allele origin: germline.

PreventionGenetics, part of Exact Sciences
Classification: Likely benign for CUL4B-related condition. Last evaluated: 2023-11-04. Review status: no assertion criteria provided. Collection method: clinical testing. Allele origin: germline. Not counted in ClinVar's aggregate classification.
Comment: This variant is classified as likely benign based on ACMG/AMP sequence variant interpretation guidelines (Richards et al. 2015 PMID: 25741868, with internal and published modifications).

NM_001079872.2(CUL4B):c.2023A>G (p.Met675Val)

Gene: CUL4B (cullin 4B; minus strand). Cytogenetic location: Xq24.
Variant type: single nucleotide variant.
Coding change: c.2023A>G on transcript NM_001079872.2 (MANE Select); coding-DNA position 2023, A replaced by G.
Protein change: p.Met675Val; replaces methionine 675 with valine.
Molecular consequence: missense variant.
Genome position (GRCh38, 1-based): chrX:120,536,950, T>C on the plus strand (A>G on the coding strand, the complement: CUL4B is on the minus strand). VCF-style: chrX-120536950-T-C. GRCh37 (hg19) VCF-style: chrX-119670805-T-C.
Other names: c.2077A>G (NM_003588.3); c.2038A>G, p.Met680Val (NM_001330624.2); c.1489A>G, p.Met497Val (NM_001369145.1); c.2077A>G, p.Met693Val (NM_003588.4); short protein forms M675V, M680V, M693V, M497V.
Identifiers: ClinVar variation 2141066 (VCV002141066.6), dbSNP rs768970682, ClinGen allele CA10505462.
Genomic context (GRCh38, chrX:120,536,950, plus strand): 5'-CTATGCCTATAACTCAGTTCTAAACAGTAACTCTTACCTCTGGTGGTAAATGAACTTCCA[T>C]AGGCACATATGTCGGCCAATAGCCCATTGTCAGGATATTCACAGTTAACTCAATATTTCC-3'
Protein context (NP_001073341.1, residues 665-685): TMGYWPTYVP[Met675Val]EVHLPPEMVK